The following is an entry in ClinVar:

ClinVar aggregate classification (germline): Uncertain significance (1 of 4 stars; one submission).

Submission:

GeneDx
Classification: Uncertain significance. Last evaluated: 2023-12-10. Review status: criteria provided, single submitter. Criteria: GeneDx Variant Classification Process June 2021. Collection method: clinical testing. Allele origin: germline. Affected: yes.
Comment: Not observed at significant frequency in large population cohorts (gnomAD); In silico analysis supports that this missense variant has a deleterious effect on protein structure/function; Has not been previously published as pathogenic or benign to our knowledge

NM_001123385.2(BCOR):c.5129C>A (p.Ser1710Tyr)

Gene: BCOR (BCL6 corepressor; minus strand). Cytogenetic location: Xp11.4.
Variant type: single nucleotide variant.
Coding change: c.5129C>A on transcript NM_001123385.2 (MANE Select); coding-DNA position 5129, C replaced by A.
Protein change: p.Ser1710Tyr; replaces serine 1710 with tyrosine.
Molecular consequence: missense variant.
Genome position (GRCh38, 1-based): chrX:40,052,248, G>T on the plus strand (C>A on the coding strand, the complement: BCOR is on the minus strand). VCF-style: chrX-40052248-G-T. GRCh37 (hg19) VCF-style: chrX-39911501-G-T.
Other names: c.5027C>A, p.Ser1676Tyr (NM_001123383.2, NM_017745.6); c.4973C>A, p.Ser1658Tyr (NM_001123384.2); short protein forms S1658Y, S1676Y, S1710Y.
Identifiers: ClinVar variation 3253275 (VCV003253275.1), dbSNP rs1934334029.